The following is an entry in ClinVar:

NM_004523.4(KIF11):c.2671T>C (p.Leu891=)

Gene: KIF11 (kinesin family member 11; plus strand). Cytogenetic location: 10q23.33.
Variant type: single nucleotide variant.
Coding change: c.2671T>C on transcript NM_004523.4 (MANE Select); coding-DNA position 2671, T replaced by C.
Protein change: p.Leu891=; no amino-acid change (leucine 891 retained).
Molecular consequence: synonymous variant.
Genome position (GRCh38, 1-based): chr10:92,648,335, T>C. VCF-style: chr10-92648335-T-C. GRCh37 (hg19) VCF-style: chr10-94408092-T-C.
Other names: c.2671T>C (NM_004523.3).
Identifiers: ClinVar variation 4775424 (VCV004775424.3).

ClinVar aggregate classification (germline): Likely benign. Review status: criteria provided, multiple submitters, no conflicts (2 of 4 stars). 3 submissions from 3 submitters: Likely benign (3). Last evaluated 2026-02-20.

Conditions:
KIF11-related disorder. Also called: KIF11-related condition.

gnomAD v4.1: 8 of 1,612,802 alleles (0.0005%); highest among the groups gnomAD compares: East Asian, 0.0089%; no homozygotes.

Submissions (3):

PreventionGenetics, part of Exact Sciences
Classification: Likely benign for KIF11-related condition. Last evaluated: 2026-02-20. Review status: criteria provided, single submitter. Criteria: ACMG Guidelines, 2015. Collection method: clinical testing. Allele origin: germline.
Comment: This variant is classified as likely benign based on ACMG/AMP sequence variant interpretation guidelines (Richards et al. 2015 PMID: 25741868, with internal and published modifications).

Labcorp Genetics (formerly Invitae), Labcorp
Classification: Likely benign. Last evaluated: 2025-07-13. Review status: criteria provided, single submitter. Criteria: Invitae Variant Classification Sherloc (09022015). Collection method: clinical testing. Allele origin: germline.

Blueprint Genetics
Classification: Likely benign. Last evaluated: 2024-11-20. Review status: criteria provided, single submitter. Criteria: ACMG Guidelines, 2015. Collection method: clinical testing. Allele origin: germline.